The following is an entry in ClinVar:

NM_172107.4(KCNQ2):c.1601del (p.Pro534fs)

Gene: KCNQ2 (potassium voltage-gated channel subfamily Q member 2; minus strand). Cytogenetic location: 20q13.33.
Variant type: Deletion.
Coding change: c.1601del on transcript NM_172107.4 (MANE Select); coding-DNA position 1601, one base deleted (C; older notation c.1601delC).
Protein change: p.Pro534fs; shifts the reading frame from proline 534.
Molecular consequence: frameshift variant.
Genome position (GRCh38, 1-based): chr20:63,414,118, G deleted on the plus strand (C on the coding strand, the reverse complement: KCNQ2 is on the minus strand); the first of 4 consecutive G bases (chr20:63,414,118-63,414,121); deleting any one gives the same sequence. VCF-style (leftmost placement, unchanged base first): chr20-63414117-CG-C. GRCh37 (hg19) VCF-style: chr20-62045470-CG-C.
Other names: c.1547del, p.Pro516fs (NM_001382235.1, NM_172106.3); c.1517del, p.Pro506fs (NM_004518.6); c.1508del, p.Pro503fs (NM_172108.5); c.1601delC (NM_172107.4); short protein forms P506fs, P534fs, P503fs, P516fs.
Identifiers: ClinVar variation 2750940 (VCV002750940.4), dbSNP rs2516176081, ClinGen allele CA2697547456.

ClinVar aggregate classification (germline): Pathogenic. Review status: criteria provided, multiple submitters, no conflicts (2 of 4 stars). 2 submissions from 2 submitters: Pathogenic (2). Last evaluated 2026-05-11.

Conditions:
KCNQ2-Related Disorders. Also called: KCNQ2-related condition; KCNQ2-related disorder. Identifiers: MedGen CN169299.
Early-infantile DEE. Also called: Ohtahara syndrome; Early infantile epileptic encephalopathy with suppression bursts; Early infantile epileptic encephalopathy. Identifiers: Orphanet 1934, MedGen C0393706, MONDO:0800491.

Submissions (2):

Women's Health and Genetics/Laboratory Corporation of America, LabCorp
Classification: Pathogenic for KCNQ2-Related Disorders. Last evaluated: 2026-05-11. Review status: criteria provided, single submitter. Criteria: LabCorp Variant Classification Summary - May 2015. Collection method: clinical testing. Allele origin: germline.
Comment: Variant summary: KCNQ2 c.1601delC (p.Pro534ArgfsX31) results in a premature termination codon, predicted to cause a truncation of the encoded protein or absence of the protein due to nonsense mediated decay, which are commonly known mechanisms for disease. The variant was absent in 248116 control chromosomes. c.1601delC has been observed in individual(s) affected with KCNQ2-Related Disorders (e.g., Xu_2021). The following publication has been ascertained in the context of this evaluation (PMID: 34711204). ClinVar contains an entry for this variant (Variation ID: 2750940). Based on the evidence outlined above, the variant was classified as pathogenic.

Labcorp Genetics (formerly Invitae), Labcorp
Classification: Pathogenic for Early-infantile DEE. Last evaluated: 2024-10-23. Review status: criteria provided, single submitter. Criteria: Invitae Variant Classification Sherloc (09022015). Collection method: clinical testing. Allele origin: germline.
Comment: This sequence change creates a premature translational stop signal (p.Pro534Argfs*31) in the KCNQ2 gene. It is expected to result in an absent or disrupted protein product. Loss-of-function variants in KCNQ2 are known to be pathogenic (PMID: 14534157, 23692823, 27779742). This variant is not present in population databases (gnomAD no frequency). This premature translational stop signal has been observed in individual(s) with clinical features of developmental and epileptic encephalopathy (PMID: 34711204). In at least one individual the variant was observed to be de novo. For these reasons, this variant has been classified as Pathogenic.

Literature cited by the submitters: PubMed 34711204 (cited by Women's Health and Genetics/Laboratory Corporation of America, LabCorp and Labcorp Genetics (formerly Invitae), Labcorp); PubMed 14534157 (cited by Labcorp Genetics (formerly Invitae), Labcorp); PubMed 23692823 (cited by Labcorp Genetics (formerly Invitae), Labcorp); PubMed 27779742 (cited by Labcorp Genetics (formerly Invitae), Labcorp).